The following is an entry in ClinVar:

ClinVar aggregate classification (germline): Pathogenic (1 of 4 stars; one submission).

Submission:

Labcorp Genetics (formerly Invitae), Labcorp
Classification: Pathogenic. Last evaluated: 2022-08-28. Review status: criteria provided, single submitter. Criteria: Invitae Variant Classification Sherloc (09022015). Collection method: clinical testing. Allele origin: germline.
Comment: This sequence change creates a premature translational stop signal (p.Ser345Glyfs*58) in the LAMC3 gene. It is expected to result in an absent or disrupted protein product. Loss-of-function variants in LAMC3 are known to be pathogenic (PMID: 21572413, 26802095). For these reasons, this variant has been classified as Pathogenic. Algorithms developed to predict the effect of sequence changes on RNA splicing suggest that this variant may disrupt the consensus splice site. This variant has not been reported in the literature in individuals affected with LAMC3-related conditions. This variant is not present in population databases (gnomAD no frequency).

Literature cited by the submitters: PubMed 21572413; PubMed 26802095.

NM_006059.4(LAMC3):c.1032_1047del (p.Ser345fs)

Gene: LAMC3 (laminin subunit gamma 3; plus strand). Cytogenetic location: 9q34.12.
Variant type: Deletion.
Coding change: c.1032_1047del on transcript NM_006059.4 (MANE Select); coding-DNA positions 1032 to 1047, 16 bases deleted (CAGCACAGGCCACGGC).
Protein change: p.Ser345fs; shifts the reading frame from serine 345.
Molecular consequence: frameshift variant.
Genome position (GRCh38, 1-based): chr9:131,038,919-131,038,934, CAGCACAGGCCACGGC deleted. VCF-style (leftmost placement, unchanged base first): chr9-131038918-GCAGCACAGGCCACGGC-G. GRCh37 (hg19) VCF-style: chr9-133914305-GCAGCACAGGCCACGGC-G.
Other names: short protein forms S345fs.
Identifiers: ClinVar variation 2027629 (VCV002027629.4), dbSNP rs2490714886, ClinGen allele CA2580079831.